The following is an entry in ClinVar:

NM_000110.4(DPYD):c.2872A>G (p.Lys958Glu)

Gene: DPYD (dihydropyrimidine dehydrogenase; minus strand). Cytogenetic location: 1p21.3.
Variant type: single nucleotide variant.
Coding change: c.2872A>G on transcript NM_000110.4 (MANE Select); coding-DNA position 2872, A replaced by G.
Protein change: p.Lys958Glu; replaces lysine 958 with glutamic acid.
Molecular consequence: missense variant.
Genome position (GRCh38, 1-based): chr1:97,082,365, T>C on the plus strand (A>G on the coding strand, the complement: DPYD is on the minus strand). VCF-style: chr1-97082365-T-C. GRCh37 (hg19) VCF-style: chr1-97547921-T-C.
Other names: short protein forms K958E.
Identifiers: ClinVar variation 551659 (VCV000551659.8), dbSNP rs141044036, ClinGen allele CA962914.

ClinVar aggregate classification (germline): Uncertain significance. Review status: criteria provided, multiple submitters, no conflicts (2 of 4 stars). 4 submissions from 4 submitters: Uncertain significance (3). 1 of the submissions does not count toward it. Last evaluated 2023-04-11.

Conditions:
Dihydropyrimidine dehydrogenase deficiency (DPYDD). Also called: DPD DEFICIENCY; DPYD DEFICIENCY; Hereditary Thymine-Uraciluria. Identifiers: Orphanet 1675, MedGen C1959620, MONDO:0010130, OMIM 274270.

Allele frequency attached by ClinVar (database versions not stated): ExAC 0.00001; gnomAD exomes 0.00002 and 0.00003; gnomAD 0.00005 and 0.00006; TOPMed 0.00005; ESP Exome Variant Server 0.00008.
gnomAD v4.1: 45 of 1,613,494 alleles (0.0028%); highest among the groups gnomAD compares: Non-Finnish European, 0.0037%; no homozygotes.

Submissions (4):

Genome-Nilou Lab
Classification: Uncertain significance for Dihydropyrimidine dehydrogenase deficiency. Last evaluated: 2023-04-11. Review status: criteria provided, single submitter. Criteria: ACMG Guidelines, 2015. Collection method: clinical testing. Allele origin: germline. Affected: no.

Fulgent Genetics
Classification: Uncertain significance for Dihydropyrimidine dehydrogenase deficiency. Last evaluated: 2022-01-17. Review status: criteria provided, single submitter. Criteria: ACMG Guidelines, 2015. Collection method: clinical testing. Allele origin: unknown.

Illumina Laboratory Services, Illumina
Classification: Uncertain significance for Dihydropyrimidine dehydrogenase deficiency. Last evaluated: 2017-04-27. Review status: criteria provided, single submitter. Criteria: ICSL Variant Classification Criteria 13 December 2019. Collection method: clinical testing. Allele origin: germline.
Comment: This variant was observed as part of a predisposition screen in an ostensibly healthy population. A literature search was performed for the gene, cDNA change, and amino acid change (where applicable). Publications were found based on this search. However, the evidence from the literature, in combination with allele frequency data from public databases where available, was not sufficient to rule this variant in or out of causing disease. Therefore, this variant is classified as a variant of unknown significance.

Counsyl
Classification: Uncertain significance for Dihydropyrimidine dehydrogenase deficiency. Last evaluated: 2017-05-04. Review status: no assertion criteria provided. Collection method: clinical testing. Allele origin: unknown. Not counted in ClinVar's aggregate classification.

Literature cited by the submitters: PubMed 24648345 (cited by Illumina Laboratory Services, Illumina and Counsyl).